The following is an entry in ClinVar:

ClinVar aggregate classification (germline): Uncertain significance. Review status: criteria provided, single submitter (1 of 4 stars). 2 submissions from 2 submitters: Uncertain significance (1). 1 of the submissions does not count toward it. Last evaluated 2014-08-07.

Conditions:
Usher syndrome type 1F (USH1F). Also called: USHER SYNDROME, TYPE IF. Identifiers: Orphanet 231169, Orphanet 886, MedGen C1865885, MONDO:0011186, OMIM 602083.

gnomAD v4.1: 17 of 1,611,252 alleles (0.0011%); highest among the groups gnomAD compares: Admixed American, 0.0017%; no homozygotes.

Submissions (2):

Laboratory for Molecular Medicine, Mass General Brigham Personalized Medicine
Classification: Uncertain significance. Last evaluated: 2014-08-07. Review status: criteria provided, single submitter. Criteria: LMM Criteria. Collection method: clinical testing. Allele origin: germline. Observed: 1 variant allele.
Comment: The Pro1808Thr variant in PCDH15 has not been previously reported in individuals with hearing loss or in large population studies. Computational prediction too ls and conservation analyses suggest that the Pro1808Thr variant may not impact the protein, though this information is not predictive enough to rule out pathog enicity. In summary, the clinical significance of the Pro1808Thr variant is unce rtain.

Natera, Inc.
Classification: Uncertain significance for Usher syndrome type 1F. Last evaluated: 2019-11-11. Review status: no assertion criteria provided. Collection method: clinical testing. Allele origin: germline. Not counted in ClinVar's aggregate classification.

NM_033056.4(PCDH15):c.5422C>A (p.Pro1808Thr)

Gene: PCDH15 (protocadherin related 15; minus strand). Cytogenetic location: 10q21.1.
Variant type: single nucleotide variant.
Coding change: c.5422C>A on transcript NM_033056.4 (MANE Plus Clinical); coding-DNA position 5422, C replaced by A.
Protein change: p.Pro1808Thr; replaces proline 1808 with threonine.
Molecular consequence: missense variant. On other transcripts: intron variant (8).
Genome position (GRCh38, 1-based): chr10:53,822,304, G>T on the plus strand (C>A on the coding strand, the complement: PCDH15 is on the minus strand). VCF-style: chr10-53822304-G-T. GRCh37 (hg19) VCF-style: chr10-55582064-G-T.
Other names: c.5443C>A, p.Pro1815Thr (NM_001142763.2); c.5428C>A, p.Pro1810Thr (NM_001142764.2); c.5215C>A, p.Pro1739Thr (NM_001142765.2); c.5413C>A, p.Pro1805Thr (NM_001142766.2); c.5302C>A, p.Pro1768Thr (NM_001142767.2); c.5362C>A, p.Pro1788Thr (NM_001142768.2); c.5353C>A, p.Pro1785Thr (NM_001142773.2); c.5356C>A, p.Pro1786Thr (NM_001354404.2); and 7 more; short protein forms P1808T, P1739T, P1785T, P1788T, P1810T, P1805T, P1815T, P1786T.
Identifiers: ClinVar variation 179941 (VCV000179941.6), dbSNP rs727505235, ClinGen allele CA185474.